The following is an entry in ClinVar:

NM_020806.5(GPHN):c.1382A>G (p.Glu461Gly)

Gene: GPHN (gephyrin; plus strand). Cytogenetic location: 14q23.3.
Variant type: single nucleotide variant.
Coding change: c.1382A>G on transcript NM_020806.5 (MANE Select); coding-DNA position 1382, A replaced by G.
Protein change: p.Glu461Gly; replaces glutamic acid 461 with glycine.
Molecular consequence: missense variant.
Genome position (GRCh38, 1-based): chr14:67,110,228, A>G. VCF-style: chr14-67110228-A-G. GRCh37 (hg19) VCF-style: chr14-67576945-A-G.
Other names: c.1283A>G, p.Glu428Gly (NM_001024218.2); c.1442A>G, p.Glu481Gly (NM_001377514.1); c.1412A>G, p.Glu471Gly (NM_001377515.1); c.1403A>G, p.Glu468Gly (NM_001377516.1); c.1355A>G, p.Glu452Gly (NM_001377517.1); c.1340A>G, p.Glu447Gly (NM_001377518.1); c.1322A>G, p.Glu441Gly (NM_001377519.1); short protein forms E481G, E452G, E428G, E441G, E468G, E471G, E447G, E461G.
Identifiers: ClinVar variation 4773247 (VCV004773247.1).
Genomic context (GRCh38, chr14:67,110,228, plus strand): 5'-TCATGCGGGTTACAACAGGTGCTCCAATACCCTGCGGTGCTGATGCAGTAGTACAAGTGG[A>G]AGATACCGAACTTATCAGGGAATCAGATGATGTACGTCATCACCAAGTCTTACTGTGCTG-3'
Protein context (NP_065857.1, residues 451-471): PCGADAVVQV[Glu461Gly]DTELIRESDD

ClinVar aggregate classification (germline): Uncertain significance (1 of 4 stars; one submission).

Conditions:
Sulfite oxidase deficiency due to molybdenum cofactor deficiency type C. Also called: Molybdenum cofactor deficiency, complementation group C; Molybdenum cofactor deficiency C. Identifiers: Orphanet 308400, Orphanet 833, MedGen C1854990, MONDO:0014212, OMIM 615501.

Submission:

Labcorp Genetics (formerly Invitae), Labcorp
Classification: Uncertain significance for Sulfite oxidase deficiency due to molybdenum cofactor deficiency type C. Last evaluated: 2025-05-01. Review status: criteria provided, single submitter. Criteria: Invitae Variant Classification Sherloc (09022015). Collection method: clinical testing. Allele origin: germline.
Comment: This sequence change replaces glutamic acid, which is acidic and polar, with glycine, which is neutral and non-polar, at codon 461 of the GPHN protein (p.Glu461Gly). This variant is not present in population databases (gnomAD no frequency). This variant has not been reported in the literature in individuals affected with GPHN-related conditions. Invitae Evidence Modeling of protein sequence and biophysical properties (such as structural, functional, and spatial information, amino acid conservation, physicochemical variation, residue mobility, and thermodynamic stability) indicates that this missense variant is expected to disrupt GPHN protein function with a positive predictive value of 80%. In summary, the available evidence is currently insufficient to determine the role of this variant in disease. Therefore, it has been classified as a Variant of Uncertain Significance.